The following is an entry in ClinVar:

ClinVar aggregate classification (germline): Uncertain significance (1 of 4 stars; one submission).

Allele frequency attached by ClinVar (database versions not stated): ExAC 0.00003; ESP Exome Variant Server 0.00015.
gnomAD v4.1: 20 of 1,601,394 alleles (0.0012%); highest among the groups gnomAD compares: African/African-American, 0.021%; no homozygotes.

Submission:

Labcorp Genetics (formerly Invitae), Labcorp
Classification: Uncertain significance. Last evaluated: 2022-08-03. Review status: criteria provided, single submitter. Criteria: Invitae Variant Classification Sherloc (09022015). Collection method: clinical testing. Allele origin: germline.
Comment: This sequence change replaces valine, which is neutral and non-polar, with leucine, which is neutral and non-polar, at codon 282 of the HACD1 protein (p.Val282Leu). This variant is present in population databases (rs368924879, gnomAD 0.03%). This variant has not been reported in the literature in individuals affected with HACD1-related conditions. ClinVar contains an entry for this variant (Variation ID: 1487533). Algorithms developed to predict the effect of missense changes on protein structure and function (SIFT, PolyPhen-2, Align-GVGD) all suggest that this variant is likely to be tolerated. Algorithms developed to predict the effect of sequence changes on RNA splicing suggest that this variant may create or strengthen a splice site. In summary, the available evidence is currently insufficient to determine the role of this variant in disease. Therefore, it has been classified as a Variant of Uncertain Significance.

NM_014241.4(HACD1):c.844G>C (p.Val282Leu)

Gene: HACD1 (3-hydroxyacyl-CoA dehydratase 1; minus strand). Cytogenetic location: 10p12.33.
Variant type: single nucleotide variant.
Coding change: c.844G>C on transcript NM_014241.4 (MANE Select); coding-DNA position 844, G replaced by C.
Protein change: p.Val282Leu; replaces valine 282 with leucine.
Molecular consequence: missense variant.
Genome position (GRCh38, 1-based): chr10:17,590,387, C>G on the plus strand (G>C on the coding strand, the complement: HACD1 is on the minus strand). VCF-style: chr10-17590387-C-G. GRCh37 (hg19) VCF-style: chr10-17632386-C-G.
Other names: short protein forms V282L.
Identifiers: ClinVar variation 1487533 (VCV001487533.3), dbSNP rs368924879, ClinGen allele CA5427199.
Genomic context (GRCh38, chr10:17,590,387, plus strand): 5'-GTTATTCTGGAAAAAGCACCTTGTTTGCAGAGATCATTTAATCATCCTTTTCTACAATCA[C>G]CTCTCCATGAAGCACCTTTCTTCTTTGACGTAACATATGAAAATAGAGTTGTGGAAACAC-3'
Protein context (NP_055056.3, residues 272-288): RQRRKVLHGE[Val282Leu]IVEKDD